The following is an entry in ClinVar:

NM_001163809.2(WDR81):c.4757C>T (p.Ser1586Leu)

Gene: WDR81 (WD repeat domain 81; plus strand). Cytogenetic location: 17p13.3.
Variant type: single nucleotide variant.
Coding change: c.4757C>T on transcript NM_001163809.2 (MANE Select); coding-DNA position 4757, C replaced by T.
Protein change: p.Ser1586Leu; replaces serine 1586 with leucine.
Molecular consequence: missense variant.
Genome position (GRCh38, 1-based): chr17:1,733,794, C>T. VCF-style: chr17-1733794-C-T. GRCh37 (hg19) VCF-style: chr17-1637088-C-T.
Other names: c.1148C>T, p.Ser383Leu (NM_001163673.2); c.1076C>T, p.Ser359Leu (NM_001163811.2); c.1604C>T, p.Ser535Leu (NM_152348.4); short protein forms S1586L, S359L, S383L, S535L.
Identifiers: ClinVar variation 1315280 (VCV001315280.3), dbSNP rs138928092, ClinGen allele CA8273652.

ClinVar aggregate classification (germline): Uncertain significance. Review status: criteria provided, multiple submitters, no conflicts (2 of 4 stars). 2 submissions from 2 submitters: Uncertain significance (2). Last evaluated 2024-08-04.

Conditions:
Inborn genetic diseases. Identifiers: MedGen C0950123, MeSH D030342.

Allele frequency attached by ClinVar (database versions not stated): ExAC 0.00003; gnomAD exomes 0.00004; gnomAD 0.00005 and 0.00007; TOPMed 0.00006; ESP Exome Variant Server 0.00023.
gnomAD v4.1: 58 of 1,612,164 alleles (0.0036%); highest among the groups gnomAD compares: East Asian, 0.013%; no homozygotes.

Submissions (2):

Ambry Genetics
Classification: Uncertain significance for Inborn genetic diseases. Last evaluated: 2024-08-04. Review status: criteria provided, single submitter. Criteria: Ambry Variant Classification Scheme 2023. Collection method: clinical testing. Allele origin: germline.

GeneDx
Classification: Uncertain significance. Last evaluated: 2020-03-08. Review status: criteria provided, single submitter. Criteria: GeneDx Variant Classification Process June 2021. Collection method: clinical testing. Allele origin: germline. Affected: yes.
Comment: Not observed at a significant frequency in large population cohorts (Lek et al., 2016); In silico analysis supports that this missense variant does not alter protein structure/function; Has not been previously published as pathogenic or benign to our knowledge